The following is an entry in ClinVar:

ClinVar aggregate classification (germline): Uncertain significance (1 of 4 stars; one submission).

gnomAD v4.1: 1 of 1,611,712 alleles (0.000062%); highest among the groups gnomAD compares: Non-Finnish European, 0.000085%; no homozygotes.

Submission:

Labcorp Genetics (formerly Invitae), Labcorp
Classification: Uncertain significance. Last evaluated: 2022-01-20. Review status: criteria provided, single submitter. Criteria: Invitae Variant Classification Sherloc (09022015). Collection method: clinical testing. Allele origin: germline.
Comment: This variant has not been reported in the literature in individuals affected with MME-related conditions. This variant is not present in population databases (gnomAD no frequency). This sequence change replaces phenylalanine, which is neutral and non-polar, with isoleucine, which is neutral and non-polar, at codon 312 of the MME protein (p.Phe312Ile). Algorithms developed to predict the effect of missense changes on protein structure and function are either unavailable or do not agree on the potential impact of this missense change (SIFT: "Tolerated"; PolyPhen-2: "Possibly Damaging"; Align-GVGD: "Class C0"). In summary, the available evidence is currently insufficient to determine the role of this variant in disease. Therefore, it has been classified as a Variant of Uncertain Significance.

NM_007289.4(MME):c.934T>A (p.Phe312Ile)

Gene: MME (membrane metalloendopeptidase; plus strand). Cytogenetic location: 3q25.2.
Variant type: single nucleotide variant.
Coding change: c.934T>A on transcript NM_007289.4 (MANE Select); coding-DNA position 934, T replaced by A.
Protein change: p.Phe312Ile; replaces phenylalanine 312 with isoleucine.
Molecular consequence: missense variant.
Genome position (GRCh38, 1-based): chr3:155,140,269, T>A. VCF-style: chr3-155140269-T-A. GRCh37 (hg19) VCF-style: chr3-154858058-T-A.
Other names: c.934T>A, p.Phe312Ile (NM_000902.5, NM_001354642.2, NM_001354643.1 and 2 more transcripts); short protein forms F312I.
Identifiers: ClinVar variation 1352578 (VCV001352578.8), dbSNP rs748834417, ClinGen allele CA85826802.